The following is an entry in ClinVar:

NM_003000.3(SDHB):c.638T>C (p.Met213Thr)

Gene: SDHB (succinate dehydrogenase complex iron sulfur subunit B; minus strand). Cytogenetic location: 1p36.13.
Variant type: single nucleotide variant.
Coding change: c.638T>C on transcript NM_003000.3 (MANE Select); coding-DNA position 638, T replaced by C.
Protein change: p.Met213Thr; replaces methionine 213 with threonine.
Molecular consequence: missense variant.
Genome position (GRCh38, 1-based): chr1:17,023,977, A>G on the plus strand (T>C on the coding strand, the complement: SDHB is on the minus strand). VCF-style: chr1-17023977-A-G. GRCh37 (hg19) VCF-style: chr1-17350472-A-G.
Other names: short protein forms M213T.
Identifiers: ClinVar variation 41771 (VCV000041771.31), dbSNP rs202014362, ClinGen allele CA016054.

ClinVar aggregate classification (germline): Uncertain significance. Review status: criteria provided, multiple submitters, no conflicts (2 of 4 stars). 10 submissions from 10 submitters: Uncertain significance (9). 1 of the submissions does not count toward it. Last evaluated 2026-04-02.

Conditions:
Pheochromocytoma. Also called: MAX-Related Hereditary Paraganglioma-Pheochromocytoma Syndrome. Identifiers: Orphanet 29072, MedGen C0031511, MONDO:0008233, OMIM 171300, HP:0002666.
Pheochromocytoma/paraganglioma syndrome 4. Also called: SDHB-Related Hereditary Paraganglioma-Pheochromocytoma Syndrome; SDHB-Related Hereditary Paraganglioma-Pheochromocytoma Syndrome (Paragangliomas 4); CAROTID BODY TUMORS AND MULTIPLE EXTRAADRENAL PHEOCHROMOCYTOMAS; PARAGANGLIOMA, FAMILIAL MALIGNANT; PARAGANGLIOMAS, HEREDITARY EXTRAADRENAL; PHEOCHROMOCYTOMA, FAMILIAL EXTRAADRENAL. Identifiers: Orphanet 29072, MedGen C1861848, MONDO:0007273, OMIM 115310.
Gastrointestinal stromal tumor. Also called: Gastrointestinal stromal tumor, somatic; Gastrointestinal stroma tumor. Identifiers: Orphanet 44890, MedGen C0238198, MeSH D046152, MONDO:0011719, OMIM 606764, HP:0100723.
Cowden syndrome (CS). Also called: Cowden's disease; Cowden's syndrome; Cowden disease. Identifiers: Orphanet 201, MedGen C0018553, MONDO:0016063. Disease mechanism: gain of function.
Hereditary cancer-predisposing syndrome. Also called: Tumor predisposition; Hereditary neoplastic syndrome; Neoplastic Syndromes, Hereditary; Hereditary Cancer Syndrome. Identifiers: Orphanet 140162, MedGen C0027672, MeSH D009386, MONDO:0015356.
Hereditary pheochromocytoma and paraganglioma. Also called: Hereditary Paraganglioma-Pheochromocytoma Syndromes; Hereditary paragangliomas and pheochromocytomas; Hereditary pheochromocytoma-paraganglioma. Identifiers: Orphanet 29072, MedGen C4274332, MONDO:0017366.

Allele frequency attached by ClinVar (database versions not stated): gnomAD exomes below 0.00001 and 0.00001; ExAC 0.00001; TOPMed 0.00001.
gnomAD v4.1: 5 of 1,611,712 alleles (0.00031%); highest among the groups gnomAD compares: East Asian, 0.0045%; no homozygotes.

Submissions (10):

Ambry Genetics
Classification: Uncertain significance for Hereditary cancer-predisposing syndrome. Last evaluated: 2026-04-02. Review status: criteria provided, single submitter. Criteria: Ambry Variant Classification Scheme 2023. Collection method: clinical testing. Allele origin: germline.
Comment: The p.M213T variant (also known as c.638T>C), located in coding exon 6 of the SDHB gene, results from a T to C substitution at nucleotide position 638. The methionine at codon 213 is replaced by threonine, an amino acid with similar properties. This amino acid position is highly conserved in available vertebrate species. In addition, this alteration is predicted to be deleterious by in silico analysis. Based on the available evidence, the clinical significance of this variant remains unclear.

Dasa
Classification: Uncertain significance for paragangliomas 4. Last evaluated: 2026-04-02. Review status: criteria provided, single submitter. Criteria: DASA Assertion Criteria. Collection method: clinical testing. Allele origin: germline.
Comment: NM_003000.3(SDHB):c.638T>C (p.Met213Thr) is a missense variant that results in the substitution of methionine with threonine. The affected residue or protein region has prior evidence supporting clinical relevance. This variant is rare in population databases. Computational prediction algorithms are consistent with a deleterious effect. The currently available literature and clinical evidence are not sufficient to establish a definitive association between this variant and the reported condition. Therefore, this variant is classified as a variant of uncertain significance.

Labcorp Genetics (formerly Invitae), Labcorp
Classification: Uncertain significance for Gastrointestinal stromal tumor; Pheochromocytoma/paraganglioma syndrome 4; Pheochromocytoma. Last evaluated: 2026-01-29. Review status: criteria provided, single submitter. Criteria: Invitae Variant Classification Sherloc (09022015). Collection method: clinical testing. Allele origin: germline.
Comment: This sequence change replaces methionine, which is neutral and non-polar, with threonine, which is neutral and polar, at codon 213 of the SDHB protein (p.Met213Thr). This variant is present in population databases (rs202014362, gnomAD 0.01%). This variant has not been reported in the literature in individuals affected with SDHB-related conditions. ClinVar contains an entry for this variant (Variation ID: 41771). Invitae Evidence Modeling of protein sequence and biophysical properties (such as structural, functional, and spatial information, amino acid conservation, physicochemical variation, residue mobility, and thermodynamic stability) indicates that this missense variant is expected to disrupt SDHB protein function with a positive predictive value of 80%. In summary, the available evidence is currently insufficient to determine the role of this variant in disease. Therefore, it has been classified as a Variant of Uncertain Significance.

Baylor Genetics
Classification: Uncertain significance for Gastrointestinal stromal tumor. Last evaluated: 2023-08-25. Review status: criteria provided, single submitter. Criteria: ACMG Guidelines, 2015. Collection method: clinical testing. Allele origin: unknown.

All of Us Research Program, National Institutes of Health
Classification: Uncertain significance for Hereditary pheochromocytoma and paraganglioma. Last evaluated: 2023-08-15. Review status: criteria provided, single submitter. Criteria: ACMG Guidelines, 2015. Collection method: clinical testing. Allele origin: germline. Inheritance: Autosomal dominant inheritance. Observed: 2 variant alleles, 2 heterozygotes.
Comment: This missense variant replaces methionine with threonine at codon 213 of the SDHB protein. Computational prediction suggests that this variant may have deleterious impact on protein structure and function (internally defined REVEL score threshold >= 0.7, PMID: 27666373). To our knowledge, functional studies have not been reported for this variant. This variant has not been reported in individuals affected with pheochromocytoma/paraganglioma in the literature but has been identified in an individual without cancer (PMID: 22703879). This variant has been identified in 2/251328 chromosomes in the general population by the Genome Aggregation Database (gnomAD). The available evidence is insufficient to determine the role of this variant in disease conclusively. Therefore, this variant is classified as a Variant of Uncertain Significance.

This study involves interpretation of variants in research participants for the purpose of population health screening. Participant phenotype was not available at the time of variant classification. Additional details can be found in publication PMID: 35346344, PMCID: PMC8962531

Department of Pathology and Laboratory Medicine, Sinai Health System
Classification: Uncertain significance for Gastrointestinal stromal tumor. Last evaluated: 2023-05-02. Review status: criteria provided, single submitter. Criteria: ACMG Guidelines, 2015. Collection method: clinical testing. Allele origin: germline. Affected: yes.

Blueprint Genetics
Classification: Uncertain significance. Last evaluated: 2022-08-05. Review status: criteria provided, single submitter. Criteria: ACMG Guidelines, 2015. Collection method: clinical testing. Allele origin: germline.

Mendelics
Classification: Uncertain significance for COWDEN SYNDROME 2. Last evaluated: 2018-07-02. Review status: criteria provided, single submitter. Criteria: Mendelics Assertion Criteria 2017. Collection method: clinical testing. Allele origin: unknown.

Women's Health and Genetics/Laboratory Corporation of America, LabCorp
Classification: Uncertain significance. Last evaluated: 2017-06-26. Review status: criteria provided, single submitter. Criteria: LabCorp Variant Classification Summary - May 2015. Collection method: clinical testing. Allele origin: germline.
Comment: Variant summary: The SDHB c.638T>C (p.Met213Thr) variant located in the alpha-helical ferredoxin domain (via InterPro) involves the alteration of a conserved nucleotide that 4/4 in silico tools predict a damaging outcome for this variant. However, these predictions have yet to be functionally assessed. This variant was found in 1/120790 control chromosomes at a frequency of 0.0000083, which is approximately 9 times the estimated maximal expected allele frequency of a pathogenic SDHB variant (0.0000009), suggesting this variant is likely a benign polymorphism. However, this is only one occurrence in a control population that could harbor individuals with a SDHB phenotype, therefore, this observation needs to be cautiously considered. In addition, multiple clinical diagnostic laboratories classified this variant as uncertain significance. The variant of interest has not, to our knowledge, been reported in affected individuals via publications. Because of the absence of clinical information and the lack of functional studies, the variant is classified as a "Variant of Uncertain Significance (VUS)," until additional information becomes available.

Biesecker Lab/Clinical Genomics Section, National Institutes of Health
Classification: Uncertain significance. Last evaluated: 2012-07-13. Review status: no assertion criteria provided. Collection method: research. Allele origin: germline. Affected: no. Observed: 1 variant allele. Study: ClinSeq. Not counted in ClinVar's aggregate classification.
ClinVar note: Converted during submission from variant of unknown significance to Uncertain significance.